The following is an entry in ClinVar:

ClinVar aggregate classification (germline): Uncertain significance. Review status: criteria provided, multiple submitters, no conflicts (2 of 4 stars). 7 submissions from 7 submitters: Uncertain significance (7). Last evaluated 2026-05-22.

Conditions:
Autosomal recessive hypophosphatemic bone disease (HHRH). Also called: Hypophosphatemic rickets with hypercalciuria; HYPERCALCIURIC RICKETS. Identifiers: Orphanet 157215, MedGen C1853271, MONDO:0009431, OMIM 241530.
SLC34A3-related disorder. Also called: SLC34A3-related condition.

Allele frequency attached by ClinVar (database versions not stated): TOPMed 0.00009; 1000 Genomes Project 30x 0.00016; ESP Exome Variant Server 0.00016.
gnomAD v4.1: 276 of 1,604,376 alleles (0.017%); highest among the groups gnomAD compares: Non-Finnish European, 0.021%; no homozygotes.

Submissions (7):

PreventionGenetics, part of Exact Sciences
Classification: Uncertain significance for SLC34A3-related condition. Last evaluated: 2026-05-22. Review status: criteria provided, single submitter. Criteria: ACMG Guidelines, 2015. Collection method: clinical testing. Allele origin: germline.
Comment: The SLC34A3 c.1187C>T variant is predicted to result in the amino acid substitution p.Thr396Met. This variant has been reported in individuals with renal tract calcification or stones; however further clinical information was not provided (Table S4. Sadeghi-Alavijeh et al. 2023. PubMed ID: 37414395). This variant is reported in 0.0083% of alleles in individuals of European (Non-Finnish) descent in gnomAD. At this time, the clinical significance of this variant is uncertain due to the absence of conclusive functional and genetic evidence.

Women's Health and Genetics/Laboratory Corporation of America, LabCorp
Classification: Uncertain significance. Last evaluated: 2025-11-26. Review status: criteria provided, single submitter. Criteria: LabCorp Variant Classification Summary - May 2015. Collection method: clinical testing. Allele origin: germline.
Comment: Variant summary: SLC34A3 c.1187C>T (p.Thr396Met) results in a non-conservative amino acid change in the encoded protein sequence. Algorithms developed to predict the effect of missense changes on protein structure and function all suggest that this variant is likely to be disruptive. The variant allele was found at a frequency of 4.3e-05 in 232594 control chromosomes. This frequency is not significantly higher than estimated for disease-causing variants in SLC34A3, allowing no conclusion about variant significance. c.1187C>T has been observed in individual(s) affected with Renal tract calcification or stones (Sadeghi-Alavijeh_2023). These report(s) do not provide unequivocal conclusions about association of the variant with Hereditary Hypophosphatemic Rickets With Hypercalciuria. To our knowledge, no experimental evidence demonstrating an impact on protein function has been reported. The following publication has been ascertained in the context of this evaluation (PMID: 37414395). ClinVar contains an entry for this variant (Variation ID: 1062467). Based on the evidence outlined above, the variant was classified as uncertain significance.

Blueprint Genetics
Classification: Uncertain significance. Last evaluated: 2024-10-25. Review status: criteria provided, single submitter. Criteria: ACMG Guidelines, 2015. Collection method: clinical testing. Allele origin: germline.

Fulgent Genetics
Classification: Uncertain significance for Autosomal recessive hypophosphatemic bone disease. Last evaluated: 2024-01-31. Review status: criteria provided, single submitter. Criteria: ACMG Guidelines, 2015. Collection method: clinical testing. Allele origin: germline.

Labcorp Genetics (formerly Invitae), Labcorp
Classification: Uncertain significance. Last evaluated: 2022-08-20. Review status: criteria provided, single submitter. Criteria: Invitae Variant Classification Sherloc (09022015). Collection method: clinical testing. Allele origin: germline.
Comment: This sequence change replaces threonine, which is neutral and polar, with methionine, which is neutral and non-polar, at codon 396 of the SLC34A3 protein (p.Thr396Met). This variant is present in population databases (rs138798032, gnomAD 0.008%). This variant has not been reported in the literature in individuals affected with SLC34A3-related conditions. ClinVar contains an entry for this variant (Variation ID: 1062467). Algorithms developed to predict the effect of missense changes on protein structure and function are either unavailable or do not agree on the potential impact of this missense change (SIFT: "Deleterious"; PolyPhen-2: "Probably Damaging"; Align-GVGD: "Class C15"). In summary, the available evidence is currently insufficient to determine the role of this variant in disease. Therefore, it has been classified as a Variant of Uncertain Significance.

GeneDx
Classification: Uncertain significance. Last evaluated: 2022-05-20. Review status: criteria provided, single submitter. Criteria: GeneDx Variant Classification Process June 2021. Collection method: clinical testing. Allele origin: germline. Affected: yes.
Comment: In silico analysis supports that this missense variant has a deleterious effect on protein structure/function; Has not been previously published as pathogenic or benign to our knowledge

Revvity Omics, Revvity
Classification: Uncertain significance for Autosomal recessive hypophosphatemic bone disease. Last evaluated: 2020-12-19. Review status: criteria provided, single submitter. Criteria: ACMG Guidelines, 2015. Collection method: clinical testing. Allele origin: germline.

Literature cited by the submitters: PubMed 37414395 (cited by Women's Health and Genetics/Laboratory Corporation of America, LabCorp).

NM_001177316.2(SLC34A3):c.1187C>T (p.Thr396Met)

Gene: SLC34A3 (solute carrier family 34 member 3; plus strand). Cytogenetic location: 9q34.3.
Variant type: single nucleotide variant.
Coding change: c.1187C>T on transcript NM_001177316.2 (MANE Select); coding-DNA position 1187, C replaced by T.
Protein change: p.Thr396Met; replaces threonine 396 with methionine.
Molecular consequence: missense variant.
Genome position (GRCh38, 1-based): chr9:137,234,509, C>T. VCF-style: chr9-137234509-C-T. GRCh37 (hg19) VCF-style: chr9-140128961-C-T.
Other names: c.1187C>T, p.Thr396Met (NM_001177317.2, NM_080877.3); short protein forms T396M.
Identifiers: ClinVar variation 1062467 (VCV001062467.14), dbSNP rs138798032, ClinGen allele CA5364825.
Genomic context (GRCh38, chr9:137,234,509, plus strand): 5'-ACCTGGCCGTCCTCGCGGGCGCCGGCCTGACCTTCGCACTGCAGAGCAGCAGCGTCTTCA[C>T]GGCGGCCGTCGTGCCCCTCATGGGTGAGCAGGCAGGACAGAGGCCTCGGGAACGGGGGCT-3'
Protein context (NP_001170787.2, residues 386-406): TFALQSSSVF[Thr396Met]AAVVPLMGVG